The following is an entry in ClinVar:

ClinVar aggregate classification (germline): Pathogenic (1 of 4 stars; one submission).

Conditions:
X-linked mixed hearing loss with perilymphatic gusher. Also called: Deafness, X-linked 2; NANCE DEAFNESS; PERILYMPHATIC GUSHER-DEAFNESS SYNDROME; SENSORINEURAL DEAFNESS, PROFOUND, WITH OR WITHOUT A CONDUCTIVE COMPONENT, ASSOCIATED WITH A UNIQUE DEVELOPMENTAL ABNORMALITY OF THE EAR; Gusher syndrome. Identifiers: Orphanet 383, MedGen C1844678, MONDO:0010576, OMIM 304400.

Submission:

Institute of Rare Diseases, West China Hospital, Sichuan University
Classification: Pathogenic for X-linked mixed hearing loss with perilymphatic gusher. Last evaluated: 2025-01-09. Review status: criteria provided, single submitter. Criteria: ClinGen HL ACMG Specifications v1. Collection method: research. Allele origin: germline. Affected: yes.
Comment: PM1;PVS1;PM3_Supporting;PM2_Supporting

NM_000307.5(POU3F4):c.839dup (p.Lys281fs)

Gene: POU3F4 (POU class 3 homeobox 4; plus strand). Cytogenetic location: Xq21.1.
Variant type: Duplication.
Coding change: c.839dup on transcript NM_000307.5 (MANE Select); coding-DNA position 839, one base duplicated (A; older notation c.839dupA).
Protein change: p.Lys281fs; shifts the reading frame from lysine 281.
Molecular consequence: frameshift variant.
Genome position (GRCh38, 1-based): chrX:83,509,163, A duplicated; the last of 2 consecutive A bases (chrX:83,509,162-83,509,163); duplicating either gives the same sequence. VCF-style (leftmost placement, unchanged base first): chrX-83509161-C-CA. GRCh37 (hg19) VCF-style: chrX-82764169-C-CA.
Other names: short protein forms K281fs.
Identifiers: ClinVar variation 3601677 (VCV003601677.1).
Genomic context (GRCh38, chrX:83,509,161, plus strand): 5'-GGATTCGTCCACAGGGAGCCCGACCAGCATTGACAAGATCGCTGCACAGGGCCGCAAGCG[C>CA]AAGAAGCGGACCTCCATCGAGGTGAGTGTCAAGGGCGTACTGGAGACGCATTTCCTCAAG-3'